The following is an entry in ClinVar:

ClinVar aggregate classification (germline): Pathogenic (1 of 4 stars; one submission).

Conditions:
Mitochondrial DNA depletion syndrome 1. Also called: POLIP SYNDROME; POLYNEUROPATHY, OPHTHALMOPLEGIA, LEUKOENCEPHALOPATHY, AND INTESTINAL PSEUDOOBSTRUCTION; Mitochondrial Neurogastrointestinal Encephalopathy Disease; MITOCHONDRIAL NEUROGASTROINTESTINAL ENCEPHALOPATHY SYNDROME, TYMP-RELATED; MNGIE, TYMP-RELATED; Mitochondrial neurogastrointestinal encephalomyopathy syndrome. Identifiers: Orphanet 298, MedGen C4551995, MONDO:0011283, OMIM 603041.

Submission:

Myriad Genetics, Inc.
Classification: Pathogenic for Mitochondrial DNA depletion syndrome 1. Last evaluated: 2026-03-19. Review status: criteria provided, single submitter. Criteria: Myriad Autosomal Dominant, Autosomal Recessive and X-Linked Classification Criteria (2023). Collection method: clinical testing. Allele origin: unknown.
Comment: NM_001953.4(TYMP):c.487G>T(G163*) is expected to be pathogenic in the context of mitochondrial neurogastrointestinal encephalopathy disease. This variant is predicted to lead to an abnormal or absent protein product due to the creation of a premature termination codon in TYMP, a gene where loss-of-function variants are known to be pathogenic. Please note: this variant was assessed in the context of healthy population screening.

NM_001953.5(TYMP):c.487G>T (p.Gly163Ter)

Gene: TYMP (thymidine phosphorylase; minus strand). Cytogenetic location: 22q13.33.
Variant type: single nucleotide variant.
Coding change: c.487G>T on transcript NM_001953.5 (MANE Select); coding-DNA position 487, G replaced by T.
Protein change: p.Gly163Ter; replaces glycine 163 with a stop codon.
Molecular consequence: nonsense.
Genome position (GRCh38, 1-based): chr22:50,528,541, C>A on the plus strand (G>T on the coding strand, the complement: TYMP is on the minus strand). VCF-style: chr22-50528541-C-A. GRCh37 (hg19) VCF-style: chr22-50966970-C-A.
Other names: c.487G>T, p.Gly163Ter (NM_001113755.3, NM_001113756.3, NM_001257988.1 and 1 more transcripts); short protein forms G163*.
Identifiers: ClinVar variation 5011508 (VCV005011508.1).